The following is an entry in ClinVar:

NM_212482.4(FN1):c.4558G>A (p.Val1520Ile)

Gene: FN1 (fibronectin 1; minus strand). Cytogenetic location: 2q35.
Variant type: single nucleotide variant.
Coding change: c.4558G>A on transcript NM_212482.4 (MANE Select); coding-DNA position 4558, G replaced by A.
Protein change: p.Val1520Ile; replaces valine 1520 with isoleucine.
Molecular consequence: missense variant.
Genome position (GRCh38, 1-based): chr2:215,386,743, C>T on the plus strand (G>A on the coding strand, the complement: FN1 is on the minus strand). VCF-style: chr2-215386743-C-T. GRCh37 (hg19) VCF-style: chr2-216251466-C-T.
Other names: c.4558G>A, p.Val1520Ile (NM_001306129.2, NM_001306130.2, NM_001365517.2 and 3 more transcripts); c.4285G>A, p.Val1429Ile (NM_001306131.2, NM_001306132.2, NM_001365518.2 and 7 more transcripts); short protein forms V1429I, V1520I.
Identifiers: ClinVar variation 1406898 (VCV001406898.9), dbSNP rs201469351, ClinGen allele CA2094402.

ClinVar aggregate classification (germline): Uncertain significance. Review status: criteria provided, multiple submitters, no conflicts (2 of 4 stars). 2 submissions from 2 submitters: Uncertain significance (2). Last evaluated 2025-03-17.

Conditions:
Glomerulopathy with fibronectin deposits 2 (GFND2). Identifiers: Orphanet 84090, MedGen C1866075, MONDO:0011165, OMIM 601894.
Spondylometaphyseal dysplasia - Sutcliffe type. Also called: Spondylometaphyseal dysplasia, 'corner fracture' type; Spondylometaphyseal Dysplasia, Corner Fracture Type; Sutcliffe type of spondylometaphyseal dysplasia; Sutcliffe SMD. Identifiers: Orphanet 93315, MedGen C0432221, MONDO:0008479, OMIM 184255.

Allele frequency attached by ClinVar (database versions not stated): gnomAD 0.00001; TOPMed 0.00001; ExAC 0.00002; gnomAD exomes 0.00002; 1000 Genomes Project 30x 0.00016.
gnomAD v4.1: 24 of 1,613,912 alleles (0.0015%); highest among the groups gnomAD compares: Admixed American, 0.0033%; no homozygotes.

Submissions (2):

Labcorp Genetics (formerly Invitae), Labcorp
Classification: Uncertain significance. Last evaluated: 2025-03-17. Review status: criteria provided, single submitter. Criteria: Invitae Variant Classification Sherloc (09022015). Collection method: clinical testing. Allele origin: germline.
Comment: This sequence change replaces valine, which is neutral and non-polar, with isoleucine, which is neutral and non-polar, at codon 1520 of the FN1 protein (p.Val1520Ile). This variant is present in population databases (rs201469351, gnomAD 0.006%). This variant has not been reported in the literature in individuals affected with FN1-related conditions. ClinVar contains an entry for this variant (Variation ID: 1406898). An algorithm developed to predict the effect of missense changes on protein structure and function outputs the following: PolyPhen-2: "Benign". The isoleucine amino acid residue is found in multiple mammalian species, which suggests that this missense change does not adversely affect protein function. In summary, the available evidence is currently insufficient to determine the role of this variant in disease. Therefore, it has been classified as a Variant of Uncertain Significance.

Fulgent Genetics
Classification: Uncertain significance for Spondylometaphyseal dysplasia - Sutcliffe type; Glomerulopathy with fibronectin deposits 2. Last evaluated: 2022-03-04. Review status: criteria provided, single submitter. Criteria: ACMG Guidelines, 2015. Collection method: clinical testing. Allele origin: unknown.